The following is an entry in ClinVar:

NM_030773.4(TUBB1):c.386G>A (p.Cys129Tyr)

Gene: TUBB1 (tubulin beta 1 class VI; plus strand). Cytogenetic location: 20q13.32.
Variant type: single nucleotide variant.
Coding change: c.386G>A on transcript NM_030773.4 (MANE Select); coding-DNA position 386, G replaced by A.
Protein change: p.Cys129Tyr; replaces cysteine 129 with tyrosine.
Molecular consequence: missense variant.
Genome position (GRCh38, 1-based): chr20:59,023,813, G>A. VCF-style: chr20-59023813-G-A. GRCh37 (hg19) VCF-style: chr20-57598868-G-A.
Other names: short protein forms C129Y.
Identifiers: ClinVar variation 2778133 (VCV002778133.3), dbSNP rs867334071, ClinGen allele CA409466821.

ClinVar aggregate classification (germline): Uncertain significance (1 of 4 stars; one submission).

Submission:

Labcorp Genetics (formerly Invitae), Labcorp
Classification: Uncertain significance. Last evaluated: 2025-06-02. Review status: criteria provided, single submitter. Criteria: Invitae Variant Classification Sherloc (09022015). Collection method: clinical testing. Allele origin: germline.
Comment: This sequence change replaces cysteine, which is neutral and slightly polar, with tyrosine, which is neutral and polar, at codon 129 of the TUBB1 protein (p.Cys129Tyr). This variant is not present in population databases (gnomAD no frequency). This variant has not been reported in the literature in individuals affected with TUBB1-related conditions. ClinVar contains an entry for this variant (Variation ID: 2778133). Invitae Evidence Modeling of protein sequence and biophysical properties (such as structural, functional, and spatial information, amino acid conservation, physicochemical variation, residue mobility, and thermodynamic stability) indicates that this missense variant is not expected to disrupt TUBB1 protein function with a negative predictive value of 80%. In summary, the available evidence is currently insufficient to determine the role of this variant in disease. Therefore, it has been classified as a Variant of Uncertain Significance.